The following is an entry in ClinVar:

NM_006118.4(HAX1):c.103_106del (p.Glu35fs)

Gene: HAX1 (HCLS1 associated protein X-1; plus strand). Cytogenetic location: 1q21.3.
Variant type: Deletion.
Coding change: c.103_106del on transcript NM_006118.4 (MANE Select); coding-DNA positions 103 to 106, 4 bases deleted (GAGG; older notation c.103_106delGAGG).
Protein change: p.Glu35fs; shifts the reading frame from glutamic acid 35.
Molecular consequence: frameshift variant. On other transcripts: intron variant (1).
Genome position (GRCh38, 1-based): chr1:154,273,385-154,273,388, GAGG deleted. VCF-style (leftmost placement, unchanged base first): chr1-154273384-TGAGG-T. GRCh37 (hg19) VCF-style: chr1-154245860-TGAGG-T.
Other names: c.54-95_54-92del (NM_001018837.2); short protein forms E35fs.
Identifiers: ClinVar variation 2858843 (VCV002858843.3), dbSNP rs2524930480, ClinGen allele CA2739275292.
Genomic context (GRCh38, chr1:154,273,384, plus strand): 5'-CTCCACTCTCAGCCACAGAGATCCCTTTTTTGGAGGGATGACTCGAGATGAAGATGATGA[TGAGG>T]AAGAAGAAGAAGAAGGGGGCTCATGGGGCCGTGGGAACCCAAGGTTCCATAGTCCTCAGC-3'

ClinVar aggregate classification (germline): Pathogenic (1 of 4 stars; one submission).

Conditions:
Kostmann syndrome (SCN3). Also called: KOSTMANN DISEASE; Autosomal recessive severe congenital neutropenia type 3. Identifiers: Orphanet 99749, MedGen C5235141, MONDO:0012548, OMIM 610738.

Submission:

Labcorp Genetics (formerly Invitae), Labcorp
Classification: Pathogenic for Kostmann syndrome. Last evaluated: 2023-09-29. Review status: criteria provided, single submitter. Criteria: Invitae Variant Classification Sherloc (09022015). Collection method: clinical testing. Allele origin: germline.
Comment: This sequence change creates a premature translational stop signal (p.Glu35Lysfs*49) in the HAX1 gene. It is expected to result in an absent or disrupted protein product. Loss-of-function variants in HAX1 are known to be pathogenic (PMID: 17187068). This variant is not present in population databases (gnomAD no frequency). This variant has not been reported in the literature in individuals affected with HAX1-related conditions. For these reasons, this variant has been classified as Pathogenic.

Literature cited by the submitters: PubMed 17187068.